The following is an entry in ClinVar:

NM_005228.5(EGFR):c.2386G>A (p.Gly796Ser)

Genes: EGFR (epidermal growth factor receptor; plus strand), EGFR-AS1 (EGFR antisense RNA 1; minus strand). Cytogenetic location: 7p11.2.
Variant type: single nucleotide variant.
Coding change: c.2386G>A on transcript NM_005228.5 (MANE Select); coding-DNA position 2386, G replaced by A.
Protein change: p.Gly796Ser; replaces glycine 796 with serine.
Molecular consequence: missense variant. On other transcripts: non-coding transcript variant (1).
Genome position (GRCh38, 1-based): chr7:55,181,395, G>A. VCF-style: chr7-55181395-G-A. GRCh37 (hg19) VCF-style: chr7-55249088-G-A.
Other names: c.2251G>A, p.Gly751Ser (NM_001346897.2, NM_001346899.2); c.2386G>A, p.Gly796Ser (NM_001346898.2); c.2227G>A, p.Gly743Ser (NM_001346900.2); c.1585G>A, p.Gly529Ser (NM_001346941.2); c.2386G>A (NM_005228.4, NM_005228.3); short protein forms G529S, G743S, G751S, G796S.
Identifiers: ClinVar variation 1057685 (VCV001057685.44), dbSNP rs754426793, ClinGen allele CA4266064.

ClinVar aggregate classification (germline): Conflicting classifications of pathogenicity. Review status: criteria provided, conflicting classifications (1 of 4 stars). 5 submissions from 5 submitters: Likely pathogenic (1); Uncertain significance (4). Last evaluated 2025-09-13.

Conditions:
Lung cancer. Also called: Lung cancer, somatic; Malignant tumor of lung. Identifiers: MedGen C0242379, MONDO:0008903, OMIM 211980.
Inflammatory skin and bowel disease, neonatal, 2 (NNCIS). Identifiers: Orphanet 294023, MedGen C4015130, MONDO:0014481, OMIM 616069.
Hereditary cancer-predisposing syndrome. Also called: Tumor predisposition; Hereditary neoplastic syndrome; Neoplastic Syndromes, Hereditary; Hereditary Cancer Syndrome. Identifiers: Orphanet 140162, MedGen C0027672, MeSH D009386, MONDO:0015356.
EGFR-related lung cancer (EGFR). Identifiers: MedGen CN130014.

Allele frequency attached by ClinVar (database versions not stated): gnomAD 0.00001; gnomAD exomes 0.00001; ExAC 0.00002; TOPMed 0.00003.
gnomAD v4.1: 15 of 1,614,046 alleles (0.00093%); highest among the groups gnomAD compares: African/African-American, 0.0027%; no homozygotes.

Submissions (5):

Labcorp Genetics (formerly Invitae), Labcorp
Classification: Uncertain significance for EGFR-related lung cancer. Last evaluated: 2025-09-13. Review status: criteria provided, single submitter. Criteria: Invitae Variant Classification Sherloc (09022015). Collection method: clinical testing. Allele origin: germline.
Comment: This sequence change replaces glycine, which is neutral and non-polar, with serine, which is neutral and polar, at codon 796 of the EGFR protein (p.Gly796Ser). This variant is present in population databases (rs754426793, gnomAD 0.01%). This missense change has been observed in individual(s) with squamous cell carcinoma of the head and neck (PMID: 18528899). ClinVar contains an entry for this variant (Variation ID: 1057685). Invitae Evidence Modeling of protein sequence and biophysical properties (such as structural, functional, and spatial information, amino acid conservation, physicochemical variation, residue mobility, and thermodynamic stability) indicates that this missense variant is expected to disrupt EGFR protein function with a positive predictive value of 80%. Experimental studies have shown that this missense change affects EGFR function (PMID: 18193092). In summary, the available evidence is currently insufficient to determine the role of this variant in disease. Therefore, it has been classified as a Variant of Uncertain Significance.

Ambry Genetics
Classification: Uncertain significance for Hereditary cancer-predisposing syndrome. Last evaluated: 2024-12-19. Review status: criteria provided, single submitter. Criteria: Ambry Variant Classification Scheme 2023. Collection method: clinical testing. Allele origin: germline.
Comment: The p.G796S variant (also known as c.2386G>A), located in coding exon 20 of the EGFR gene, results from a G to A substitution at nucleotide position 2386. The glycine at codon 796 is replaced by serine, an amino acid with similar properties. This variant has been reported in patients with head and neck squamous cell carcinoma (HNSCC) (Schwentner I et al. Head Neck, 2008 Aug;30:1040-4). This amino acid position is highly conserved in available vertebrate species. In addition, this alteration is predicted to be deleterious by in silico analysis. Based on the available evidence, the clinical significance of this variant remains unclear.

Fulgent Genetics
Classification: Uncertain significance for Lung cancer; Inflammatory skin and bowel disease, neonatal, 2. Last evaluated: 2024-02-18. Review status: criteria provided, single submitter. Criteria: ACMG Guidelines, 2015. Collection method: clinical testing. Allele origin: germline.

Quest Diagnostics Nichols Institute San Juan Capistrano
Classification: Uncertain significance. Last evaluated: 2023-06-30. Review status: criteria provided, single submitter. Criteria: Quest Diagnostics criteria. Collection method: clinical testing. Allele origin: unknown.
Comment: In the published literature, this variant has been reported in individuals with squamous cell carcinoma of the head and neck (PMID: 18528899 (2008)). In vitro expression of this variant results in increased cell proliferation, invasion and EGFR downstream signaling associated with cancer progression (PMID: 18193092 (2008)). The frequency of this variant in the general population, 0.000012 (3/251474 chromosomes (Genome Aggregation Database)), is uninformative in the assessment of its pathogenicity. Analysis of this variant using bioinformatics tools for the prediction of the effect of amino acid changes on protein structure and function yielded predictions that this variant is damaging. Additional analysis using software algorithms for the prediction of the effect of nucleotide changes on EGFR mRNA splicing yielded predictions that this variant may result in the gain of a cryptic splice site without affecting the natural splice sites . Based on the available information, we are unable to determine the clinical significance of this variant.

CeGaT Center for Human Genetics Tuebingen
Classification: Likely pathogenic. Last evaluated: 2021-04-01. Review status: criteria provided, single submitter. Criteria: CeGaT Center For Human Genetics Tuebingen Variant Classification Criteria Version 2. Collection method: clinical testing. Allele origin: germline. Affected: yes. Observed: 1 variant allele.

Literature cited by the submitters: PubMed 18528899 (cited by 3 submitters); PubMed 18193092 (cited by Labcorp Genetics (formerly Invitae), Labcorp and Quest Diagnostics Nichols Institute San Juan Capistrano).